The following is an entry in ClinVar:

NM_001253852.3(AP4B1):c.616C>T (p.Arg206Ter)

Genes: AP4B1 (adaptor related protein complex 4 subunit beta 1; minus strand), AP4B1-AS1 (AP4B1 antisense RNA 1; plus strand). Cytogenetic location: 1p13.2.
Variant type: single nucleotide variant.
Coding change: c.616C>T on transcript NM_001253852.3 (MANE Select); coding-DNA position 616, C replaced by T.
Protein change: p.Arg206Ter; replaces arginine 206 with a stop codon.
Molecular consequence: nonsense. On other transcripts: non-coding transcript variant (2), intron variant (1).
Genome position (GRCh38, 1-based): chr1:113,901,237, G>A on the plus strand (C>T on the coding strand, the complement: AP4B1 is on the minus strand). VCF-style: chr1-113901237-G-A. GRCh37 (hg19) VCF-style: chr1-114443859-G-A.
Other names: c.319C>T, p.Arg107Ter (NM_001253853.3); c.616C>T, p.Arg206Ter (NM_006594.5); c.114-837C>T (NM_001308312.2); short protein forms R107*, R206*.
Identifiers: ClinVar variation 1299776 (VCV001299776.8), dbSNP rs762612591, ClinGen allele CA1016063.

ClinVar aggregate classification (germline): Pathogenic/Likely pathogenic. Review status: criteria provided, multiple submitters, no conflicts (2 of 4 stars). 4 submissions from 4 submitters: Pathogenic (1); Likely pathogenic (1). 2 of the submissions do not count toward it. Last evaluated 2024-08-09.

Conditions:
Hereditary spastic paraplegia 47. Also called: Spastic paraplegia 47, autosomal recessive; CEREBRAL PALSY, SPASTIC QUADRIPLEGIC, 5; adaptor protein 4 (AP-4) deficiency syndrome. Identifiers: Orphanet 280763, MedGen C3279738, MONDO:0013551, OMIM 614066.

gnomAD v4.1: 15 of 1,614,142 alleles (0.00093%); highest among the groups gnomAD compares: Admixed American, 0.0067%; no homozygotes.

Submissions (4):

GeneDx
Classification: Likely pathogenic. Last evaluated: 2024-08-09. Review status: criteria provided, single submitter. Criteria: GeneDx Variant Classification Process June 2021. Collection method: clinical testing. Allele origin: germline. Affected: yes.
Comment: Nonsense variant predicted to result in protein truncation or nonsense mediated decay in a gene for which loss of function is a known mechanism of disease; Not observed at significant frequency in large population cohorts (gnomAD); Has not been previously published as pathogenic or benign to our knowledge

Labcorp Genetics (formerly Invitae), Labcorp
Classification: Pathogenic for Hereditary spastic paraplegia 47. Last evaluated: 2024-03-06. Review status: criteria provided, single submitter. Criteria: Invitae Variant Classification Sherloc (09022015). Collection method: clinical testing. Allele origin: germline.
Comment: This sequence change creates a premature translational stop signal (p.Arg206*) in the AP4B1 gene. It is expected to result in an absent or disrupted protein product. Loss-of-function variants in AP4B1 are known to be pathogenic (PMID: 22290197, 24700674, 24781758). This variant is present in population databases (rs762612591, gnomAD 0.01%). This variant has not been reported in the literature in individuals affected with AP4B1-related conditions. ClinVar contains an entry for this variant (Variation ID: 1299776). Algorithms developed to predict the effect of sequence changes on RNA splicing suggest that this variant may disrupt the consensus splice site. For these reasons, this variant has been classified as Pathogenic.

Genome Diagnostics Laboratory, Amsterdam University Medical Center
Classification: Likely pathogenic. Review status: no assertion criteria provided. Collection method: clinical testing. Allele origin: germline. Affected: yes. Study: VKGL Data-share Consensus. Not counted in ClinVar's aggregate classification.

Joint Genome Diagnostic Labs from Nijmegen and Maastricht, Radboudumc and MUMC+
Classification: Pathogenic. Review status: no assertion criteria provided. Collection method: clinical testing. Allele origin: germline. Affected: yes. Study: VKGL Data-share Consensus. Not counted in ClinVar's aggregate classification.

Literature cited by the submitters: PubMed 22290197 (cited by Labcorp Genetics (formerly Invitae), Labcorp); PubMed 24700674 (cited by Labcorp Genetics (formerly Invitae), Labcorp); PubMed 24781758 (cited by Labcorp Genetics (formerly Invitae), Labcorp).